The following is an entry in ClinVar:

ClinVar aggregate classification (germline): Uncertain significance (1 of 4 stars; one submission).

Submission:

GeneDx
Classification: Uncertain significance. Last evaluated: 2024-01-12. Review status: criteria provided, single submitter. Criteria: GeneDx Variant Classification Process June 2021. Collection method: clinical testing. Allele origin: germline. Affected: yes.
Comment: Frameshift variant predicted to result in protein truncation or nonsense mediated decay in a gene or region of a gene for which loss of function is not a well-established mechanism of disease; Not observed at significant frequency in large population cohorts (gnomAD); Has not been previously published as pathogenic or benign to our knowledge

NM_001270.2(CHD1):c.4250_4251dup

Gene: CHD1 (chromodomain helicase DNA binding protein 1; minus strand). Cytogenetic location: 5q15.
Variant type: Microsatellite.
Coding change: c.4250_4251dup on transcript NM_001270.2; coding-DNA positions 4250 to 4251, 2 bases duplicated (GT; older notation c.4250_4251dupGT).
Genome position (GRCh38, 1-based): chr5:98,863,584-98,863,585, AC duplicated on the plus strand (GT on the coding strand, the reverse complement: CHD1 is on the minus strand); duplicating any 2 consecutive bases within chr5:98,863,584-98,863,587 gives the same sequence; the c. name uses the placement nearest the transcript's 3' end. VCF-style (leftmost placement, unchanged base first): chr5-98863583-T-TAC. GRCh37 (hg19) VCF-style: chr5-98199287-T-TAC.
Identifiers: ClinVar variation 3367719 (VCV003367719.1).